The following is an entry in ClinVar:

NM_001005242.3(PKP2):c.1987C>T (p.Gln663Ter)

Gene: PKP2 (plakophilin 2; minus strand). Cytogenetic location: 12p11.21.
Variant type: single nucleotide variant.
Coding change: c.1987C>T on transcript NM_001005242.3 (MANE Select); coding-DNA position 1987, C replaced by T.
Protein change: p.Gln663Ter; replaces glutamine 663 with a stop codon.
Molecular consequence: nonsense.
Genome position (GRCh38, 1-based): chr12:32,821,382, G>A on the plus strand (C>T on the coding strand, the complement: PKP2 is on the minus strand). VCF-style: chr12-32821382-G-A. GRCh37 (hg19) VCF-style: chr12-32974316-G-A.
Other names: c.2119C>T, p.Gln707Ter (NM_004572.4); short protein forms Q707*, Q663*.
Identifiers: ClinVar variation 45059 (VCV000045059.8), dbSNP rs397517017, ClinGen allele CA011724.

ClinVar aggregate classification (germline): Pathogenic/Likely pathogenic. Review status: criteria provided, multiple submitters, no conflicts (2 of 4 stars). 3 submissions from 3 submitters: Pathogenic (1); Likely pathogenic (2). Last evaluated 2025-03-05.

Conditions:
Arrhythmogenic right ventricular cardiomyopathy (ARVD). Also called: Arrhythmogenic right ventricular dysplasia; Arrhythmogenic cardiomyopathy; Arrhythmogenic Right Ventricular Cardiomyopathy (ARVC); Cardiomyopathy, ARVC. Identifiers: Orphanet 247, MedGen C0349788, MeSH D019571, MONDO:0016587. Disease mechanism: loss of function. Inheritance: Various modes of inheritance.
Arrhythmogenic right ventricular dysplasia 9 (ARVD9). Also called: ARRHYTHMOGENIC RIGHT VENTRICULAR DYSPLASIA, FAMILIAL, 9; Arrhythmogenic Right Ventricular Dysplasia/Cardiomyopathy 9. Identifiers: MedGen C1836906, MONDO:0012180, OMIM 609040.

Submissions (3):

Labcorp Genetics (formerly Invitae), Labcorp
Classification: Pathogenic for Arrhythmogenic right ventricular dysplasia 9. Last evaluated: 2025-03-05. Review status: criteria provided, single submitter. Criteria: Invitae Variant Classification Sherloc (09022015). Collection method: clinical testing. Allele origin: germline.
Comment: This sequence change creates a premature translational stop signal (p.Gln707*) in the PKP2 gene. It is expected to result in an absent or disrupted protein product. Loss-of-function variants in PKP2 are known to be pathogenic (PMID: 15489853, 17041889, 23911551). This variant is not present in population databases (gnomAD no frequency). This premature translational stop signal has been observed in individual(s) with PKP2-related conditions (PMID: 16774985, 20152563). ClinVar contains an entry for this variant (Variation ID: 45059). For these reasons, this variant has been classified as Pathogenic.

GeneDx
Classification: Likely pathogenic. Last evaluated: 2021-07-28. Review status: criteria provided, single submitter. Criteria: GeneDx Variant Classification Process June 2021. Collection method: clinical testing. Allele origin: germline. Affected: yes.
Comment: Reported in association with ARVC (Bauce et al., 2010; Ohno et al., 2013; Walsh et al., 2017; Smith et al., 2020); however some patients harbored additional cardiogenetic variants and this variant did not segregate with disease in one relative (Bauce et al., 2010); Not observed at significant frequency in large population cohorts (gnomAD); Nonsense variant predicted to result in protein truncation or nonsense mediated decay in a gene for which loss-of-function is a known mechanism of disease; Reported in ClinVar as a likely pathogenic variant (ClinVar Variant ID# 45059; ClinVar); This variant is associated with the following publications: (PMID: 25525159, 31918855, 16774985, 32372669, 31402444, 27532257, 20152563, 23514727, 26582918, 20129281)

Laboratory for Molecular Medicine, Mass General Brigham Personalized Medicine
Classification: Likely pathogenic for Arrhythmogenic right ventricular cardiomyopathy. Last evaluated: 2012-08-22. Review status: criteria provided, single submitter. Criteria: LMM Criteria. Collection method: clinical testing. Allele origin: germline. Inheritance: Autosomal dominant inheritance. Observed: 1 variant allele.
Comment: However, this variant did not segregate with disease in 1 affected re lative and this proband carried 2 other variants (1 in PKP2 and 1 in DSP; Bauce 2010, Xu 2010). The Gln707X variant has not been identified in large and broad E uropean American and African American populations by the NHLBI Exome Sequencing Project. In addition, this nonsense variant l eads to a premature termination codon at position 707, which is predicted to lea d to a truncated or absent protein. Heterozygous loss of function of the PKP2 ge ne is an established disease mechanism in patients with ARVC, though reduced pen etrance and variable expressivity are common. In summary, this variant is likely to be pathogenic, though additional studies are required to fully establish its clinical significance.

Literature cited by the submitters: PubMed 15489853 (cited by Labcorp Genetics (formerly Invitae), Labcorp); PubMed 17041889 (cited by Labcorp Genetics (formerly Invitae), Labcorp); PubMed 23911551 (cited by Labcorp Genetics (formerly Invitae), Labcorp); PubMed 16774985 (cited by Labcorp Genetics (formerly Invitae), Labcorp and Laboratory for Molecular Medicine, Mass General Brigham Personalized Medicine); PubMed 20152563 (cited by Labcorp Genetics (formerly Invitae), Labcorp and Laboratory for Molecular Medicine, Mass General Brigham Personalized Medicine); PubMed 20129281 (cited by Laboratory for Molecular Medicine, Mass General Brigham Personalized Medicine).